The following is an entry in ClinVar:

ClinVar aggregate classification (germline): Conflicting classifications of pathogenicity. Review status: criteria provided, conflicting classifications (1 of 4 stars). 2 submissions from 2 submitters: Uncertain significance (1); Benign (1). Last evaluated 2025-07-21.

Conditions:
Tuberous sclerosis 2 (TSC2). Identifiers: Orphanet 805, MedGen C1860707, MONDO:0013199, OMIM 613254.
Hereditary cancer-predisposing syndrome. Also called: Neoplastic Syndromes, Hereditary; Tumor predisposition; Hereditary Cancer Syndrome; Hereditary neoplastic syndrome. Identifiers: Orphanet 140162, MedGen C0027672, MeSH D009386, MONDO:0015356.

Allele frequency attached by ClinVar (database versions not stated): gnomAD exomes below 0.00001; ExAC 0.00001.
gnomAD v4.1: 2 of 1,614,064 alleles (0.00012%); highest among the groups gnomAD compares: Non-Finnish European, 0.00017%; no homozygotes.

Submissions (2):

Labcorp Genetics (formerly Invitae), Labcorp
Classification: Benign for Tuberous sclerosis 2. Last evaluated: 2025-07-21. Review status: criteria provided, single submitter. Criteria: Invitae Variant Classification Sherloc (09022015). Collection method: clinical testing. Allele origin: germline.

Ambry Genetics
Classification: Uncertain significance for Hereditary cancer-predisposing syndrome. Last evaluated: 2024-01-04. Review status: criteria provided, single submitter. Criteria: Ambry Variant Classification Scheme 2023. Collection method: clinical testing. Allele origin: germline.
Comment: The p.R25K variant (also known as c.74G>A), located in coding exon 1 of the TSC2 gene, results from a G to A substitution at nucleotide position 74. The arginine at codon 25 is replaced by lysine, an amino acid with highly similar properties. This amino acid position is highly conserved in available vertebrate species. In addition, the in silico prediction for this alteration is inconclusive. Since supporting evidence is limited at this time, the clinical significance of this alteration remains unclear.

NM_000548.5(TSC2):c.74G>A (p.Arg25Lys)

Gene: TSC2 (TSC complex subunit 2; plus strand). Cytogenetic location: 16p13.3.
Variant type: single nucleotide variant.
Coding change: c.74G>A on transcript NM_000548.5 (MANE Select); coding-DNA position 74, G replaced by A.
Protein change: p.Arg25Lys; replaces arginine 25 with lysine.
Molecular consequence: missense variant. On other transcripts: 5 prime UTR variant (1), intron variant (1).
Genome position (GRCh38, 1-based): chr16:2,048,689, G>A. VCF-style: chr16-2048689-G-A. GRCh37 (hg19) VCF-style: chr16-2098690-G-A.
Other names: c.74G>A, p.Arg25Lys (NM_001077183.3, NM_001114382.3, NM_001318827.2 and 4 more transcripts); c.-153G>A (NM_001318831.2); c.107G>A, p.Arg36Lys (NM_001318832.2); c.-10+624G>A (NM_001318829.2); short protein forms R25K, R36K.
Identifiers: ClinVar variation 535934 (VCV000535934.14), dbSNP rs759867905, ClinGen allele CA056318.